The following is an entry in ClinVar:

ClinVar aggregate classification (germline): Uncertain significance (1 of 4 stars; one submission).

Submission:

Labcorp Genetics (formerly Invitae), Labcorp
Classification: Uncertain significance. Last evaluated: 2023-05-23. Review status: criteria provided, single submitter. Criteria: Invitae Variant Classification Sherloc (09022015). Collection method: clinical testing. Allele origin: germline.
Comment: In summary, the available evidence is currently insufficient to determine the role of this variant in disease. Therefore, it has been classified as a Variant of Uncertain Significance. An algorithm developed to predict the effect of missense changes on protein structure and function (PolyPhen-2) suggests that this variant is likely to be disruptive. This variant has not been reported in the literature in individuals affected with POLR3B-related conditions. This variant is not present in population databases (gnomAD no frequency). This sequence change replaces glycine, which is neutral and non-polar, with aspartic acid, which is acidic and polar, at codon 166 of the POLR3B protein (p.Gly166Asp).

NM_018082.6(POLR3B):c.497G>A (p.Gly166Asp)

Gene: POLR3B (RNA polymerase III subunit B; plus strand). Cytogenetic location: 12q23.3.
Variant type: single nucleotide variant.
Coding change: c.497G>A on transcript NM_018082.6 (MANE Select); coding-DNA position 497, G replaced by A.
Protein change: p.Gly166Asp; replaces glycine 166 with aspartic acid.
Molecular consequence: missense variant.
Genome position (GRCh38, 1-based): chr12:106,378,267, G>A. VCF-style: chr12-106378267-G-A. GRCh37 (hg19) VCF-style: chr12-106772045-G-A.
Other names: c.323G>A, p.Gly108Asp (NM_001160708.2); short protein forms G166D, G108D.
Identifiers: ClinVar variation 2818321 (VCV002818321.3), dbSNP rs2542005872, ClinGen allele CA386386536.
Genomic context (GRCh38, chr12:106,378,267, plus strand): 5'-TACTAAATCAACACTGGTTGAGGAATAAATGATGAAGTTTTTCTTGTTTCCTTTGGGTAG[G>A]TGGCTACTTCATTGTTAAAGGAGTAGAAAAAGTTATTCTTATCCAAGAGCAGCTGTCTAA-3'
Protein context (NP_060552.4, residues 156-176): AKLNECPLDP[Gly166Asp]GYFIVKGVEK